The following is an entry in ClinVar:

ClinVar aggregate classification (germline): Uncertain significance (1 of 4 stars; one submission).

Submission:

Labcorp Genetics (formerly Invitae), Labcorp
Classification: Uncertain significance. Last evaluated: 2020-03-14. Review status: criteria provided, single submitter. Criteria: Invitae Variant Classification Sherloc (09022015). Collection method: clinical testing. Allele origin: germline.
Comment: Algorithms developed to predict the effect of missense changes on protein structure and function are either unavailable or do not agree on the potential impact of this missense change (SIFT: "Tolerated"; PolyPhen-2: "Probably Damaging"; Align-GVGD: "Class C0"). This sequence change replaces glycine with cysteine at codon 19 of the WHRN protein (p.Gly19Cys). The glycine residue is moderately conserved and there is a large physicochemical difference between glycine and cysteine. The frequency data for this variant in the population databases is considered unreliable, as metrics indicate insufficient coverage at this position in the ExAC database. This variant has not been reported in the literature in individuals with WHRN-related conditions. In summary, the available evidence is currently insufficient to determine the role of this variant in disease. Therefore, it has been classified as a Variant of Uncertain Significance.

NM_015404.4(WHRN):c.55G>T (p.Gly19Cys)

Gene: WHRN (whirlin; minus strand). Cytogenetic location: 9q32.
Variant type: single nucleotide variant.
Coding change: c.55G>T on transcript NM_015404.4 (MANE Select); coding-DNA position 55, G replaced by T.
Protein change: p.Gly19Cys; replaces glycine 19 with cysteine.
Molecular consequence: missense variant.
Genome position (GRCh38, 1-based): chr9:114,504,747, C>A on the plus strand (G>T on the coding strand, the complement: WHRN is on the minus strand). VCF-style: chr9-114504747-C-A. GRCh37 (hg19) VCF-style: chr9-117267027-C-A.
Other names: c.55G>T, p.Gly19Cys (NM_001173425.2); short protein forms G19C.
Identifiers: ClinVar variation 1036184 (VCV001036184.9), dbSNP rs1344881617, ClinGen allele CA374614664.
Genomic context (GRCh38, chr9:114,504,747, plus strand): 5'-CGTTGGCAGACAGTAACCGCAGCCCCGCGCCCCCGCCGCCGCCCGCCCCGGCCGCCGAGC[C>A]CAGCGAGCCGGTGGAGGACGAGCTCACCGACAGGCCGTCCAGCGGCGCGTTCATCTCCAC-3'
Protein context (NP_056219.3, residues 9-29): SVSSSSTGSL[Gly19Cys]SAAGAGGGGG